The following is an entry in ClinVar:

ClinVar aggregate classification (germline): Uncertain significance (1 of 4 stars; one submission).

Conditions:
Hereditary cancer-predisposing syndrome. Also called: Neoplastic Syndromes, Hereditary; Tumor predisposition; Hereditary Cancer Syndrome; Hereditary neoplastic syndrome. Identifiers: Orphanet 140162, MedGen C0027672, MeSH D009386, MONDO:0015356.

Submission:

Ambry Genetics
Classification: Uncertain significance for Hereditary cancer-predisposing syndrome. Last evaluated: 2025-05-09. Review status: criteria provided, single submitter. Criteria: Ambry Variant Classification Scheme 2023. Collection method: clinical testing. Allele origin: germline.
Comment: The p.C98G variant (also known as c.292T>G), located in coding exon 1 of the MET gene, results from a T to G substitution at nucleotide position 292. The cysteine at codon 98 is replaced by glycine, an amino acid with highly dissimilar properties. This amino acid position is highly conserved in available vertebrate species. In addition, this alteration is predicted to be tolerated by in silico analysis. Based on the available evidence, the clinical significance of this variant remains unclear.

NM_000245.4(MET):c.292T>G (p.Cys98Gly)

Gene: MET (MET proto-oncogene, receptor tyrosine kinase; plus strand). Cytogenetic location: 7q31.2.
Variant type: single nucleotide variant.
Coding change: c.292T>G on transcript NM_000245.4 (MANE Select); coding-DNA position 292, T replaced by G.
Protein change: p.Cys98Gly; replaces cysteine 98 with glycine.
Molecular consequence: missense variant. On other transcripts: intron variant (1).
Genome position (GRCh38, 1-based): chr7:116,699,376, T>G. VCF-style: chr7-116699376-T-G. GRCh37 (hg19) VCF-style: chr7-116339430-T-G.
Other names: c.292T>G, p.Cys98Gly (NM_001127500.3, NM_001324401.3); c.-91+26799T>G (NM_001324402.2); short protein forms C98G.
Identifiers: ClinVar variation 1797804 (VCV001797804.3), dbSNP rs1791473262, ClinGen allele CA368968751.